The following is an entry in ClinVar:

NM_001291303.3(FAT4):c.10759G>A (p.Val3587Ile)

Gene: FAT4 (FAT atypical cadherin 4; plus strand). Cytogenetic location: 4q28.1.
Variant type: single nucleotide variant.
Coding change: c.10759G>A on transcript NM_001291303.3 (MANE Select); coding-DNA position 10759, G replaced by A.
Protein change: p.Val3587Ile; replaces valine 3587 with isoleucine.
Molecular consequence: missense variant.
Genome position (GRCh38, 1-based): chr4:125,451,769, G>A. VCF-style: chr4-125451769-G-A. GRCh37 (hg19) VCF-style: chr4-126372924-G-A.
Other names: c.10759G>A, p.Val3587Ile (NM_001291285.3); c.10753G>A, p.Val3585Ile (NM_024582.6); c.10753G>A (NM_024582.4); short protein forms V3587I, V3585I.
Identifiers: ClinVar variation 2056470 (VCV002056470.2), dbSNP rs1726084895, ClinGen allele CA358159678.
Genomic context (GRCh38, chr4:125,451,769, plus strand): 5'-GTTCTGAGCACAACCAGAGAGATTGACAGAGAGCAGATTGCAGACTTCTATCTGTCTGTG[G>A]TTACCAAGGATTCTGGTGTTCCTCAAATGTCTTCCACAGGAACTGTGCATATCACAGTTA-3'
Protein context (NP_001278232.1, residues 3577-3597): EQIADFYLSV[Val3587Ile]TKDSGVPQMS

ClinVar aggregate classification (germline): Uncertain significance. Review status: criteria provided, multiple submitters, no conflicts (2 of 4 stars). 2 submissions from 2 submitters: Uncertain significance (2). Last evaluated 2024-06-10.

Conditions:
Inborn genetic diseases. Identifiers: MedGen C0950123, MeSH D030342.

Allele frequency attached by ClinVar (database versions not stated): gnomAD exomes below 0.00001; gnomAD 0.00001.
gnomAD v4.1: 2 of 1,614,026 alleles (0.00012%); highest among the groups gnomAD compares: Admixed American, 0.0033%; no homozygotes.

Submissions (2):

Ambry Genetics
Classification: Uncertain significance for Inborn genetic diseases. Last evaluated: 2024-06-10. Review status: criteria provided, single submitter. Criteria: Ambry Variant Classification Scheme 2023. Collection method: clinical testing. Allele origin: germline.

Labcorp Genetics (formerly Invitae), Labcorp
Classification: Uncertain significance. Last evaluated: 2022-10-24. Review status: criteria provided, single submitter. Criteria: Invitae Variant Classification Sherloc (09022015). Collection method: clinical testing. Allele origin: germline.
Comment: This sequence change replaces valine, which is neutral and non-polar, with isoleucine, which is neutral and non-polar, at codon 3585 of the FAT4 protein (p.Val3585Ile). This variant is not present in population databases (gnomAD no frequency). This variant has not been reported in the literature in individuals affected with FAT4-related conditions. Advanced modeling of protein sequence and biophysical properties (such as structural, functional, and spatial information, amino acid conservation, physicochemical variation, residue mobility, and thermodynamic stability) performed at Invitae indicates that this missense variant is not expected to disrupt FAT4 protein function. In summary, the available evidence is currently insufficient to determine the role of this variant in disease. Therefore, it has been classified as a Variant of Uncertain Significance.